The following is an entry in ClinVar:

NM_001876.4(CPT1A):c.1576-2A>G

Gene: CPT1A (carnitine palmitoyltransferase 1A; minus strand). Cytogenetic location: 11q13.3.
Variant type: single nucleotide variant.
Coding change: c.1576-2A>G on transcript NM_001876.4 (MANE Select); the canonical splice acceptor site of the intron before coding-DNA position 1576, A replaced by G.
Molecular consequence: splice acceptor variant.
Genome position (GRCh38, 1-based): chr11:68,773,431, T>C on the plus strand (A>G on the coding strand, the complement: CPT1A is on the minus strand). VCF-style: chr11-68773431-T-C. GRCh37 (hg19) VCF-style: chr11-68540899-T-C.
Other names: c.1576-2A>G (NM_001031847.3).
Identifiers: ClinVar variation 558009 (VCV000558009.7), dbSNP rs1555227607, ClinGen allele CA381629384.

ClinVar aggregate classification (germline): Likely pathogenic. Review status: criteria provided, single submitter (1 of 4 stars). 2 submissions from 2 submitters: Likely pathogenic (1). 1 of the submissions does not count toward it. Last evaluated 2022-05-31.

Conditions:
Carnitine palmitoyl transferase 1A deficiency. Also called: CPT I DEFICIENCY; CPT DEFICIENCY, HEPATIC, TYPE I; Carnitine palmitoyltransferase type I deficiency; Carnitine palmitoyltransferase 1A deficiency; CPT deficiency, hepatic, type IA. Identifiers: Orphanet 156, MedGen C1829703, MONDO:0009705, OMIM 255120.

Submissions (2):

Labcorp Genetics (formerly Invitae), Labcorp
Classification: Likely pathogenic for Carnitine palmitoyl transferase 1A deficiency. Last evaluated: 2022-05-31. Review status: criteria provided, single submitter. Criteria: Invitae Variant Classification Sherloc (09022015). Collection method: clinical testing. Allele origin: germline.
Comment: This variant is not present in population databases (gnomAD no frequency). This variant has not been reported in the literature in individuals affected with CPT1A-related conditions. ClinVar contains an entry for this variant (Variation ID: 558009). Algorithms developed to predict the effect of sequence changes on RNA splicing suggest that this variant may disrupt the consensus splice site. In summary, the currently available evidence indicates that the variant is pathogenic, but additional data are needed to prove that conclusively. Therefore, this variant has been classified as Likely Pathogenic. This sequence change affects an acceptor splice site in intron 13 of the CPT1A gene. It is expected to disrupt RNA splicing. Variants that disrupt the donor or acceptor splice site typically lead to a loss of protein function (PMID: 16199547), and loss-of-function variants in CPT1A are known to be pathogenic (PMID: 16169268).

Counsyl
Classification: Likely pathogenic for Carnitine palmitoyl transferase 1A deficiency. Last evaluated: 2018-04-24. Review status: no assertion criteria provided. Collection method: clinical testing. Allele origin: unknown. Not counted in ClinVar's aggregate classification.

Literature cited by the submitters: PubMed 16199547 (cited by Labcorp Genetics (formerly Invitae), Labcorp); PubMed 16169268 (cited by Labcorp Genetics (formerly Invitae), Labcorp).